The following is an entry in ClinVar:

NM_012208.4(HARS2):c.1153_1165del (p.Ile385fs)

Gene: HARS2 (histidyl-tRNA synthetase 2, mitochondrial; plus strand). Cytogenetic location: 5q31.3.
Variant type: Deletion.
Coding change: c.1153_1165del on transcript NM_012208.4 (MANE Select); coding-DNA positions 1153 to 1165, 13 bases deleted (ATTGGGGTTGAGC).
Protein change: p.Ile385fs; shifts the reading frame from isoleucine 385.
Molecular consequence: frameshift variant.
Genome position (GRCh38, 1-based): chr5:140,697,362-140,697,374, ATTGGGGTTGAGC deleted; deleting any 13 consecutive bases within chr5:140,697,359-140,697,374 gives the same sequence; the c. name uses the placement nearest the transcript's 3' end. VCF-style (leftmost placement, unchanged base first): chr5-140697358-CAGCATTGGGGTTG-C. GRCh37 (hg19) VCF-style: chr5-140076943-CAGCATTGGGGTTG-C.
Other names: c.1078_1090del, p.Ile360fs (NM_001278731.2); c.721_733del, p.Ile241fs (NM_001278732.2); c.1171_1183del, p.Ile391fs (NM_001363535.2); c.943_955del, p.Ile315fs (NM_001363536.2); short protein forms I241fs, I315fs, I360fs, I385fs, I391fs.
Identifiers: ClinVar variation 3601168 (VCV003601168.3).

ClinVar aggregate classification (germline): Pathogenic/Likely pathogenic. Review status: criteria provided, multiple submitters, no conflicts (2 of 4 stars). 2 submissions from 2 submitters: Pathogenic (1); Likely pathogenic (1). Last evaluated 2025-01-09.

Conditions:
Perrault syndrome 2 (PRLTS2). Identifiers: Orphanet 2855, Orphanet 642976, MedGen C3554105, MONDO:0013972, OMIM 614926.

Submissions (2):

Institute of Rare Diseases, West China Hospital, Sichuan University
Classification: Likely pathogenic for Perrault syndrome 2. Last evaluated: 2025-01-09. Review status: criteria provided, single submitter. Criteria: ClinGen HL ACMG Specifications v1. Collection method: research. Allele origin: germline. Affected: yes.
Comment: PVS1;PM2_Supporting

Labcorp Genetics (formerly Invitae), Labcorp
Classification: Pathogenic. Last evaluated: 2024-05-15. Review status: criteria provided, single submitter. Criteria: Invitae Variant Classification Sherloc (09022015). Collection method: clinical testing. Allele origin: germline.
Comment: This sequence change creates a premature translational stop signal (p.Ile385Glufs*10) in the HARS2 gene. It is expected to result in an absent or disrupted protein product. Loss-of-function variants in HARS2 are known to be pathogenic (PMID: 31827252). This variant is present in population databases (rs781647468, gnomAD 0.006%). This variant has not been reported in the literature in individuals affected with HARS2-related conditions. For these reasons, this variant has been classified as Pathogenic.

Literature cited by the submitters: PubMed 31827252 (cited by Labcorp Genetics (formerly Invitae), Labcorp).